The following is an entry in ClinVar:

NM_181882.3(PRX):c.628G>A (p.Ala210Thr)

Gene: PRX (periaxin; minus strand). Cytogenetic location: 19q13.2.
Variant type: single nucleotide variant.
Coding change: c.628G>A on transcript NM_181882.3 (MANE Select); coding-DNA position 628, G replaced by A.
Protein change: p.Ala210Thr; replaces alanine 210 with threonine.
Molecular consequence: missense variant. On other transcripts: 3 prime UTR variant (1).
Genome position (GRCh38, 1-based): chr19:40,397,724, C>T on the plus strand (G>A on the coding strand, the complement: PRX is on the minus strand). VCF-style: chr19-40397724-C-T. GRCh37 (hg19) VCF-style: chr19-40903631-C-T.
Other names: c.*833G>A (NM_020956.2); short protein forms A210T.
Identifiers: ClinVar variation 662492 (VCV000662492.8), dbSNP rs775981300, ClinGen allele CA9444410.

ClinVar aggregate classification (germline): Uncertain significance. Review status: criteria provided, multiple submitters, no conflicts (2 of 4 stars). 2 submissions from 2 submitters: Uncertain significance (2). Last evaluated 2023-09-29.

Conditions:
Charcot-Marie-Tooth disease type 4. Also called: Charcot-Marie-Tooth, Type 4; Charcot-Marie-Tooth disease, type IV. Identifiers: Orphanet 64749, MedGen C4082197, MONDO:0018995.
Inborn genetic diseases. Identifiers: MedGen C0950123, MeSH D030342.

Allele frequency attached by ClinVar (database versions not stated): TOPMed below 0.00001; gnomAD 0.00001; gnomAD exomes 0.00002 and 0.00005; ExAC 0.00011.
gnomAD v4.1: 37 of 1,559,932 alleles (0.0024%); highest among the groups gnomAD compares: South Asian, 0.023%; no homozygotes.

Submissions (2):

Ambry Genetics
Classification: Uncertain significance for Inborn genetic diseases. Last evaluated: 2023-09-29. Review status: criteria provided, single submitter. Criteria: Ambry Variant Classification Scheme 2023. Collection method: clinical testing. Allele origin: germline.

Labcorp Genetics (formerly Invitae), Labcorp
Classification: Uncertain significance for Charcot-Marie-Tooth disease type 4. Last evaluated: 2022-11-29. Review status: criteria provided, single submitter. Criteria: Invitae Variant Classification Sherloc (09022015). Collection method: clinical testing. Allele origin: germline.
Comment: In summary, the available evidence is currently insufficient to determine the role of this variant in disease. Therefore, it has been classified as a Variant of Uncertain Significance. Algorithms developed to predict the effect of missense changes on protein structure and function are either unavailable or do not agree on the potential impact of this missense change (SIFT: "Tolerated"; PolyPhen-2: "Possibly Damaging"; Align-GVGD: "Class C0"). ClinVar contains an entry for this variant (Variation ID: 662492). This variant has not been reported in the literature in individuals affected with PRX-related conditions. This variant is present in population databases (rs775981300, gnomAD 0.02%). This sequence change replaces alanine, which is neutral and non-polar, with threonine, which is neutral and polar, at codon 210 of the PRX protein (p.Ala210Thr).